The following is an entry in ClinVar:

ClinVar aggregate classification (germline): Likely benign. Review status: criteria provided, multiple submitters, no conflicts (2 of 4 stars). 3 submissions from 3 submitters: Likely benign (3). Last evaluated 2026-09-01.

Conditions:
INF2-related disorder. Also called: INF2-related condition.
Focal segmental glomerulosclerosis 5 (FSGS5). Identifiers: Orphanet 656, MedGen C2750475, MONDO:0013191, OMIM 613237.
Charcot-Marie-Tooth disease dominant intermediate E. Also called: CHARCOT-MARIE-TOOTH NEUROPATHY WITH FOCAL SEGMENTAL GLOMERULONEPHRITIS. Identifiers: Orphanet 93114, MedGen C4302667, MONDO:0013758, OMIM 614455.

Allele frequency attached by ClinVar (database versions not stated): ExAC 0.00001; gnomAD exomes 0.00002; gnomAD 0.00005; TOPMed 0.00005.
gnomAD v4.1: 127 of 1,612,654 alleles (0.0079%); highest among the groups gnomAD compares: Non-Finnish European, 0.01%; no homozygotes.

Submissions (3):

CeGaT Center for Human Genetics Tuebingen
Classification: Likely benign. Last evaluated: 2026-09-01. Review status: criteria provided, single submitter. Criteria: CeGaT Center For Human Genetics Tuebingen Variant Classification Criteria Version 2. Collection method: clinical testing. Allele origin: germline. Affected: yes. Observed: 1 variant allele.
Comment: INF2: BP4, BP7

PreventionGenetics, part of Exact Sciences
Classification: Likely benign for INF2-related condition. Last evaluated: 2026-01-07. Review status: criteria provided, single submitter. Criteria: ACMG Guidelines, 2015. Collection method: clinical testing. Allele origin: germline.
Comment: This variant is classified as likely benign based on ACMG/AMP sequence variant interpretation guidelines (Richards et al. 2015 PMID: 25741868, with internal and published modifications).

Labcorp Genetics (formerly Invitae), Labcorp
Classification: Likely benign for Charcot-Marie-Tooth disease dominant intermediate E; Focal segmental glomerulosclerosis 5. Last evaluated: 2025-01-27. Review status: criteria provided, single submitter. Criteria: Invitae Variant Classification Sherloc (09022015). Collection method: clinical testing. Allele origin: germline.

NM_022489.4(INF2):c.3372C>T (p.Ala1124=)

Gene: INF2 (inverted formin 2; plus strand). Cytogenetic location: 14q32.33.
Variant type: single nucleotide variant.
Coding change: c.3372C>T on transcript NM_022489.4 (MANE Select); coding-DNA position 3372, C replaced by T.
Protein change: p.Ala1124=; no amino-acid change (alanine 1124 retained).
Molecular consequence: synonymous variant.
Genome position (GRCh38, 1-based): chr14:104,714,534, C>T. VCF-style: chr14-104714534-C-T. GRCh37 (hg19) VCF-style: chr14-105180871-C-T.
Other names: c.3372C>T, p.Ala1124= (NM_001031714.4).
Identifiers: ClinVar variation 706040 (VCV000706040.12), dbSNP rs769591308, ClinGen allele CA7373233.